The following is an entry in ClinVar:

NM_001754.5(RUNX1):c.*3721A>T

Gene: RUNX1 (RUNX family transcription factor 1; minus strand). Cytogenetic location: 21q22.12.
Variant type: single nucleotide variant.
Coding change: c.*3721A>T on transcript NM_001754.5 (MANE Select); 3721 bases downstream of the stop codon, A replaced by T.
Molecular consequence: 3 prime UTR variant.
Genome position (GRCh38, 1-based): chr21:34,788,414, T>A on the plus strand (A>T on the coding strand, the complement: RUNX1 is on the minus strand). VCF-style: chr21-34788414-T-A. GRCh37 (hg19) VCF-style: chr21-36160711-T-A.
Other names: NC_000021.8:g.36160711T>A; c.*3721A>T (NM_001001890.3, NM_001754.4).
Identifiers: ClinVar variation 339801 (VCV000339801.7), dbSNP rs188246960, ClinGen allele CA10650410.

ClinVar aggregate classification (germline): Benign. Review status: reviewed by expert panel (3 of 4 stars). 2 submissions from 2 submitters: Benign (1). 1 of the submissions does not count toward it. Last evaluated 2020-05-13.

Conditions:
Hereditary thrombocytopenia and hematologic cancer predisposition syndrome. Identifiers: Orphanet 71290, MedGen CN281654, MONDO:0011071.
Hereditary thrombocytopenia and hematological cancer predisposition syndrome associated with RUNX1. Also called: PLATELET DISORDER, ASPIRIN-LIKE; RUNX1 Familial Platelet Disorder with Associated Myeloid Malignancies; Familial Platelet Disorder with Propensity to Acute Myelogenous Leukemia; Familial thrombocytopenia with propensity to acute myelogenous leukemia. Identifiers: Orphanet 71290, MedGen C1832388, MeSH C563324, MONDO:0100083, OMIM 601399.

Allele frequency attached by ClinVar (database versions not stated): 1000 Genomes Project 0.00060; gnomAD 0.00066 and 0.00168; 1000 Genomes Project 30x 0.00094; gnomAD exomes 0.00114; TOPMed 0.00212.
gnomAD v4.1: 346 of 233,042 alleles (0.15%); highest among the groups gnomAD compares: Middle Eastern, 2%; 9 homozygotes.

Submissions (3):

ClinGen Myeloid Malignancy Variant Curation Expert Panel
Classification: Benign for Hereditary thrombocytopenia and hematologic cancer predisposition syndrome. Last evaluated: 2020-05-13. Review status: reviewed by expert panel. Criteria: ClinGen MyeloMalig ACMG Specifications v1. Collection method: curation. Allele origin: germline. Inheritance: Autosomal dominant inheritance.
Comment: The c.*3721A>T variant in the 3' UTR has an MAF of 0.001757 (0.18%, 24/13660 alleles) in the Latino subpopulation of the gnomAD v3 cohort and is >= 0.0015 (0.15%) (BA1). This variant is detected in a homozygous state in 8 Amish individuals in the gnomAD v3 population database (BP2). In summary, this variant meets criteria to be classified as benign. ACMG/AMP criteria applied, as specified by the Myeloid Malignancy Variant Curation Expert Panel for RUNX1: BA1, BP2.

Illumina Laboratory Services, Illumina
Classification: Uncertain significance for Hereditary thrombocytopenia and hematological cancer predisposition syndrome associated with RUNX1. Last evaluated: 2018-01-13. Review status: criteria provided, single submitter. Criteria: ICSL Variant Classification Criteria 13 December 2019. Collection method: clinical testing. Allele origin: germline. Not counted in ClinVar's aggregate classification.

Dr. Peter K. Rogan Lab, Western University
No classification provided (evidence only). Condition: Sarcoma. Review status: no classification provided. Collection method: in vitro. Allele origin: not applicable. Functional consequence: retained intron. Not counted in ClinVar's aggregate classification.